The following is an entry in ClinVar:

NM_001048174.2(MUTYH):c.121G>C (p.Ala41Pro)

Gene: MUTYH (mutY DNA glycosylase; minus strand). Cytogenetic location: 1p34.1.
Variant type: single nucleotide variant.
Coding change: c.121G>C on transcript NM_001048174.2 (MANE Select); coding-DNA position 121, G replaced by C.
Protein change: p.Ala41Pro; replaces alanine 41 with proline.
Molecular consequence: missense variant. On other transcripts: 5 prime UTR variant (1), non-coding transcript variant (5), intron variant (5).
Genome position (GRCh38, 1-based): chr1:45,333,556, C>G on the plus strand (G>C on the coding strand, the complement: MUTYH is on the minus strand). VCF-style: chr1-45333556-C-G. GRCh37 (hg19) VCF-style: chr1-45799228-C-G.
Other names: c.121G>C, p.Ala41Pro (NM_001048171.2, NM_001048173.2, NM_001293195.2 and 6 more transcripts); c.124G>C, p.Ala42Pro (NM_001048172.2, NM_001407071.1, NM_001407078.1 and 2 more transcripts); c.205G>C, p.Ala69Pro (NM_001128425.2); c.166G>C, p.Ala56Pro (NM_001293190.2); c.154G>C, p.Ala52Pro (NM_001293191.2, NM_001407077.1); c.-151G>C (NM_001350650.2); c.196G>C, p.Ala66Pro (NM_001407069.1, NM_012222.3); c.163G>C, p.Ala55Pro (NM_001407073.1, NM_001407083.1, NM_001407085.1); and 4 more; short protein forms A13P, A41P, A48P, A52P, A55P, A66P, A42P, A56P.
Identifiers: ClinVar variation 4112857 (VCV004112857.1).

ClinVar aggregate classification (germline): Uncertain significance (1 of 4 stars; one submission).

Conditions:
Hereditary cancer-predisposing syndrome. Also called: Tumor predisposition; Neoplastic Syndromes, Hereditary; Hereditary neoplastic syndrome; Hereditary Cancer Syndrome. Identifiers: Orphanet 140162, MedGen C0027672, MeSH D009386, MONDO:0015356.

Submission:

Ambry Genetics
Classification: Uncertain significance for Hereditary cancer-predisposing syndrome. Last evaluated: 2025-08-27. Review status: criteria provided, single submitter. Criteria: Ambry Variant Classification Scheme 2023. Collection method: clinical testing. Allele origin: germline.
Comment: The p.A69P variant (also known as c.205G>C), located in coding exon 3 of the MUTYH gene, results from a G to C substitution at nucleotide position 205. The alanine at codon 69 is replaced by proline, an amino acid with highly similar properties. This amino acid position is conserved. In addition, this alteration is predicted to be tolerated by in silico analysis. Based on the available evidence, the clinical significance of this variant remains unclear.